The following is an entry in ClinVar:

ClinVar aggregate classification (germline): Likely benign. Review status: criteria provided, multiple submitters, no conflicts (2 of 4 stars). 2 submissions from 2 submitters: Likely benign (2). Last evaluated 2025-01-20.

Allele frequency attached by ClinVar (database versions not stated): TOPMed 0.00009.
gnomAD v4.1: 40 of 1,614,016 alleles (0.0025%); highest among the groups gnomAD compares: African/African-American, 0.0067%; no homozygotes.

Submissions (2):

Labcorp Genetics (formerly Invitae), Labcorp
Classification: Likely benign. Last evaluated: 2025-01-20. Review status: criteria provided, single submitter. Criteria: Invitae Variant Classification Sherloc (09022015). Collection method: clinical testing. Allele origin: germline.

CeGaT Center for Human Genetics Tuebingen
Classification: Likely benign. Last evaluated: 2022-06-01. Review status: criteria provided, single submitter. Criteria: CeGaT Center For Human Genetics Tuebingen Variant Classification Criteria Version 2. Collection method: clinical testing. Allele origin: germline. Affected: yes. Observed: 1 variant allele.
Comment: CCND2: BP4, BP7

NM_001759.4(CCND2):c.801C>T (p.Asp267=)

Gene: CCND2 (cyclin D2; plus strand). Cytogenetic location: 12p13.32.
Variant type: single nucleotide variant.
Coding change: c.801C>T on transcript NM_001759.4 (MANE Select); coding-DNA position 801, C replaced by T.
Protein change: p.Asp267=; no amino-acid change (aspartic acid 267 retained).
Molecular consequence: synonymous variant.
Genome position (GRCh38, 1-based): chr12:4,299,940, C>T. VCF-style: chr12-4299940-C-T. GRCh37 (hg19) VCF-style: chr12-4409106-C-T.
Identifiers: ClinVar variation 1602778 (VCV001602778.31), dbSNP rs199959738, ClinGen allele CA6395332.
Genomic context (GRCh38, chr12:4,299,940, plus strand): 5'-GGAGCAGATTGAGGCGGTGCTCCTCAATAGCCTGCAGCAGTACCGTCAGGACCAACGTGA[C>T]GGATCCAAGTCGGAGGATGAACTGGACCAAGCCAGCACCCCTACAGACGTGCGGGATATC-3'
Protein context (NP_001750.1, residues 257-277): SLQQYRQDQR[Asp267=]GSKSEDELDQ